The following is an entry in ClinVar:

ClinVar aggregate classification (germline): Uncertain significance (1 of 4 stars; one submission).

Submission:

Labcorp Genetics (formerly Invitae), Labcorp
Classification: Uncertain significance. Last evaluated: 2022-11-01. Review status: criteria provided, single submitter. Criteria: Invitae Variant Classification Sherloc (09022015). Collection method: clinical testing. Allele origin: germline.
Comment: This variant, c.1601_1603del, results in the deletion of 1 amino acid(s) of the BEST1 protein (p.Arg534del), but otherwise preserves the integrity of the reading frame. This variant is not present in population databases (gnomAD no frequency). This variant has not been reported in the literature in individuals affected with BEST1-related conditions. Experimental studies and prediction algorithms are not available or were not evaluated, and the functional significance of this variant is currently unknown. In summary, the available evidence is currently insufficient to determine the role of this variant in disease. Therefore, it has been classified as a Variant of Uncertain Significance.

NM_004183.4(BEST1):c.1598GGA[1] (p.Arg534del)

Gene: BEST1 (bestrophin 1; plus strand). Cytogenetic location: 11q12.3.
Variant type: Microsatellite.
Coding change: c.1598GGA[1] on transcript NM_004183.4 (MANE Select); one copy of the 3-base unit GGA starting at c.1598; the reference has two copies in a row; one copy, 3 bases deleted.
Protein change: p.Arg534del; deletes arginine 534.
Molecular consequence: inframe deletion. On other transcripts: inframe indel (3), non-coding transcript variant (1).
Genome position (GRCh38, 1-based): chr11:61,962,755-61,962,757, GGA deleted; deleting any 3 consecutive bases within chr11:61,962,750-61,962,757 gives the same sequence; the position shown is the placement nearest the transcript's 3' end. VCF-style (leftmost placement, unchanged base first): chr11-61962749-TGAG-T. GRCh37 (hg19) VCF-style: chr11-61730221-TGAG-T.
Other names: c.1418_1420GGA[1], p.Arg474del (NM_001139443.3); c.1337GGA[1], p.Arg447del (NM_001300786.2); c.1418GGA[1], p.Arg474del (NM_001300787.2); c.1280_1282GGA[1], p.Arg428del (NM_001363591.3); c.*493_*495GGA[1] (NM_001363592.2); c.626_628GGA[1], p.Arg210del (NM_001363593.3); short protein forms R447del, R474del, R534del, R210del, R428del.
Identifiers: ClinVar variation 1462195 (VCV001462195.6), dbSNP rs2134471443, ClinGen allele CA2580615707.